The following is an entry in ClinVar:

NM_014875.3(KIF14):c.4871G>A (p.Arg1624His)

Gene: KIF14 (kinesin family member 14; minus strand). Cytogenetic location: 1q32.1.
Variant type: single nucleotide variant.
Coding change: c.4871G>A on transcript NM_014875.3 (MANE Select); coding-DNA position 4871, G replaced by A.
Protein change: p.Arg1624His; replaces arginine 1624 with histidine.
Molecular consequence: missense variant.
Genome position (GRCh38, 1-based): chr1:200,553,464, C>T on the plus strand (G>A on the coding strand, the complement: KIF14 is on the minus strand). VCF-style: chr1-200553464-C-T. GRCh37 (hg19) VCF-style: chr1-200522592-C-T.
Other names: c.3398G>A, p.Arg1133His (NM_001305792.1); short protein forms R1133H, R1624H.
Identifiers: ClinVar variation 1697001 (VCV001697001.8), dbSNP rs746476284, ClinGen allele CA1316893.

ClinVar aggregate classification (germline): Uncertain significance. Review status: criteria provided, multiple submitters, no conflicts (2 of 4 stars). 3 submissions from 3 submitters: Uncertain significance (2). 1 of the submissions does not count toward it. Last evaluated 2026-01-16.

Conditions:
KIF14-related disorder. Also called: KIF14-related condition.
Inborn genetic diseases. Identifiers: MedGen C0950123, MeSH D030342.

gnomAD v4.1: 25 of 1,613,920 alleles (0.0015%); highest among the groups gnomAD compares: East Asian, 0.038%; no homozygotes.

Submissions (3):

GeneDx
Classification: Uncertain significance. Last evaluated: 2026-01-16. Review status: criteria provided, single submitter. Criteria: GeneDx Variant Classification Process June 2021. Collection method: clinical testing. Allele origin: germline. Affected: yes.
Comment: In silico analysis suggests that this missense variant does not alter protein structure/function; Has not been previously published as pathogenic or benign to our knowledge

Ambry Genetics
Classification: Uncertain significance for Inborn genetic diseases. Last evaluated: 2022-07-12. Review status: criteria provided, single submitter. Criteria: Ambry Variant Classification Scheme 2023. Collection method: clinical testing. Allele origin: germline.

PreventionGenetics, part of Exact Sciences
Classification: Uncertain significance for KIF14-related condition. Last evaluated: 2023-11-27. Review status: no assertion criteria provided. Collection method: clinical testing. Allele origin: germline. Not counted in ClinVar's aggregate classification.
Comment: The KIF14 c.4871G>A variant is predicted to result in the amino acid substitution p.Arg1624His. To our knowledge, this variant has not been reported in the literature. This variant is reported in 0.011% of alleles in individuals of East Asian descent in gnomAD. At this time, the clinical significance of this variant is uncertain due to the absence of conclusive functional and genetic evidence.